The following is an entry in ClinVar:

ClinVar aggregate classification (germline): Uncertain significance (1 of 4 stars; one submission).

Conditions:
Frontotemporal dementia and/or amyotrophic lateral sclerosis 6 (FTDALS6). Also called: VCP-Related Amyotrophic Lateral Sclerosis; VCP-Related Amyotrophic Lateral Sclerosis/Frontotemporal Dementia. Identifiers: Orphanet 275872, Orphanet 803, MedGen C5436279, MONDO:0013501, OMIM 613954.
Inclusion body myopathy with Paget disease of bone and frontotemporal dementia. Also called: Inclusion body myopathy with early-onset Paget disease and frontotemporal dementia. Identifiers: Orphanet 52430, MedGen C1833662, MONDO:0000507.

Allele frequency attached by ClinVar (database versions not stated): gnomAD exomes below 0.00001 and 0.00001.
gnomAD v4.1: 5 of 1,614,068 alleles (0.00031%); highest among the groups gnomAD compares: East Asian, 0.0045%; no homozygotes.

Submission:

Labcorp Genetics (formerly Invitae), Labcorp
Classification: Uncertain significance for Inclusion body myopathy with Paget disease of bone and frontotemporal dementia; Frontotemporal dementia and/or amyotrophic lateral sclerosis 6. Last evaluated: 2024-06-19. Review status: criteria provided, single submitter. Criteria: Invitae Variant Classification Sherloc (09022015). Collection method: clinical testing. Allele origin: germline.
Comment: This sequence change replaces isoleucine, which is neutral and non-polar, with valine, which is neutral and non-polar, at codon 590 of the VCP protein (p.Ile590Val). This variant is present in population databases (no rsID available, gnomAD 0.01%). This variant has not been reported in the literature in individuals affected with VCP-related conditions. ClinVar contains an entry for this variant (Variation ID: 1359439). Advanced modeling of protein sequence and biophysical properties (such as structural, functional, and spatial information, amino acid conservation, physicochemical variation, residue mobility, and thermodynamic stability) performed at Invitae indicates that this missense variant is not expected to disrupt VCP protein function with a negative predictive value of 95%. In summary, the available evidence is currently insufficient to determine the role of this variant in disease. Therefore, it has been classified as a Variant of Uncertain Significance.

NM_007126.5(VCP):c.1768A>G (p.Ile590Val)

Gene: VCP (valosin containing protein; minus strand). Cytogenetic location: 9p13.3.
Variant type: single nucleotide variant.
Coding change: c.1768A>G on transcript NM_007126.5 (MANE Select); coding-DNA position 1768, A replaced by G.
Protein change: p.Ile590Val; replaces isoleucine 590 with valine.
Molecular consequence: missense variant.
Genome position (GRCh38, 1-based): chr9:35,059,729, T>C on the plus strand (A>G on the coding strand, the complement: VCP is on the minus strand). VCF-style: chr9-35059729-T-C. GRCh37 (hg19) VCF-style: chr9-35059726-T-C.
Other names: c.1633A>G, p.Ile545Val (NM_001354927.2, NM_001354928.2); short protein forms I590V, I545V.
Identifiers: ClinVar variation 1359439 (VCV001359439.8), dbSNP rs1255802734, ClinGen allele CA373276541.
Genomic context (GRCh38, chr9:35,059,729, plus strand): 5'-CATCCATTTCTGTCAGGATCTGGTTGATGACTCGGTCAGCAGCCCCACCACCATCTCCAA[T>C]GTTACCTCCACGAGCCTTGGCAATCGAATCCAGCTCATCAAAGAATAGCACACAGGGGGC-3'
Protein context (NP_009057.1, residues 580-600): DSIAKARGGN[Ile590Val]GDGGGAADRV